The following is an entry in ClinVar:

ClinVar aggregate classification (germline): Benign. Review status: reviewed by expert panel (3 of 4 stars). 5 submissions from 5 submitters: Benign (1). 4 of the submissions do not count toward it. Last evaluated 2024-08-07.

Conditions:
Alpha-actinopathy. Also called: Actinopathy. Identifiers: MedGen CN295279, MONDO:0100084.
Actin accumulation myopathy (CMYO2A). Also called: CONGENITAL MYOPATHY 2A, TYPICAL, AUTOSOMAL DOMINANT; Myopathy, actin, congenital, with excess of thin myofilaments; Myopathy, actin, congenital, with cores; Nemaline myopathy 3, with intranuclear rods; Nemaline myopathy type 3. Identifiers: Orphanet 98904, MedGen C3711389, MONDO:0008070, OMIM 161800.

Allele frequency attached by ClinVar (database versions not stated): gnomAD exomes 0.00040 and 0.00094; ExAC 0.00118; 1000 Genomes Project 0.00339; 1000 Genomes Project 30x 0.00344; gnomAD 0.00369 and 0.00399; ESP Exome Variant Server 0.00408; TOPMed 0.00418.
gnomAD v4.1: 1,168 of 1,613,432 alleles (0.072%); highest among the groups gnomAD compares: African/African-American, 1.4%; 8 homozygotes.

Submissions (5):

ClinGen Congenital Myopathies Variant Curation Expert Panel, ClinGen
Classification: Benign for Alpha-actinopathy. Last evaluated: 2024-08-07. Review status: reviewed by expert panel. Criteria: ClinGen CongenMyopathy ACMG Specifications ACTA1 AR V1.0.0. Collection method: curation. Allele origin: germline. Inheritance: Autosomal recessive inheritance.
Comment: The NM_001100.4:c.617-5C>T variant in ACTA1 is an intronic variant which is located in the 3’ non-canonical splice site of intron 4. The population filtering allele frequency in gnomAD v4.1.0 is 0.01304 (1030/75010 alleles) in the African/African American population, which is higher than the ClinGen Congenital Myopathies VCEP threshold for BA1, and therefore meets this criterion (BA1). The results from the in silico predictor, SpliceAI, suggest that the variant does not impact ACTA1 function and it occurs at a nucleotide that is not conserved as shown by the UCSC Browser (BP4, BP7). In summary, this variant meets the criteria to be classified as benign for alpha-actinopathy based on the ACMG/AMP criteria applied, as specified by the ClinGen Congenital Myopathies VCEP: BA1, BP4, BP7 (ClinGen Congenital Myopathies VCEP specifications version 1; 08/07/2024).

Labcorp Genetics (formerly Invitae), Labcorp
Classification: Benign for Actin accumulation myopathy. Last evaluated: 2026-01-11. Review status: criteria provided, single submitter. Criteria: Invitae Variant Classification Sherloc (09022015). Collection method: clinical testing. Allele origin: germline. Not counted in ClinVar's aggregate classification.

Blueprint Genetics
Classification: Likely benign. Last evaluated: 2024-11-20. Review status: criteria provided, single submitter. Criteria: ACMG Guidelines, 2015. Collection method: clinical testing. Allele origin: germline. Not counted in ClinVar's aggregate classification.

GeneDx
Classification: Likely benign. Last evaluated: 2020-12-07. Review status: criteria provided, single submitter. Criteria: GeneDx Variant Classification Process June 2021. Collection method: clinical testing. Allele origin: germline. Affected: yes. Not counted in ClinVar's aggregate classification.

PreventionGenetics, part of Exact Sciences
Classification: Benign. Review status: criteria provided, single submitter. Criteria: ACMG Guidelines, 2015. Collection method: clinical testing. Allele origin: germline. Not counted in ClinVar's aggregate classification.

NM_001100.4(ACTA1):c.617-5C>T

Gene: ACTA1 (actin alpha 1, skeletal muscle; minus strand). Cytogenetic location: 1q42.13.
Variant type: single nucleotide variant.
Coding change: c.617-5C>T on transcript NM_001100.4 (MANE Select); 5 bases into the intron before coding-DNA position 617, C replaced by T.
Molecular consequence: intron variant.
Genome position (GRCh38, 1-based): chr1:229,432,190, G>A on the plus strand (C>T on the coding strand, the complement: ACTA1 is on the minus strand). VCF-style: chr1-229432190-G-A. GRCh37 (hg19) VCF-style: chr1-229567937-G-A.
Identifiers: ClinVar variation 257447 (VCV000257447.16), dbSNP rs199804338, ClinGen allele CA1442820.